The following is an entry in ClinVar:

NM_017635.5(KMT5B):c.1538C>T (p.Ala513Val)

Gene: KMT5B (lysine methyltransferase 5B; minus strand). Cytogenetic location: 11q13.2.
Variant type: single nucleotide variant.
Coding change: c.1538C>T on transcript NM_017635.5 (MANE Select); coding-DNA position 1538, C replaced by T.
Protein change: p.Ala513Val; replaces alanine 513 with valine.
Molecular consequence: missense variant.
Genome position (GRCh38, 1-based): chr11:68,158,808, G>A on the plus strand (C>T on the coding strand, the complement: KMT5B is on the minus strand). VCF-style: chr11-68158808-G-A. GRCh37 (hg19) VCF-style: chr11-67926275-G-A.
Other names: c.1022C>T, p.Ala341Val (NM_001300907.1, NM_001369428.1, NM_001369429.1 and 4 more transcripts); c.818C>T, p.Ala273Val (NM_001300908.2); c.1538C>T, p.Ala513Val (NM_001369426.1); short protein forms A513V, A273V, A341V.
Identifiers: ClinVar variation 626228 (VCV000626228.1), dbSNP rs377163167, ClinGen allele CA6148169.
Genomic context (GRCh38, chr11:68,158,808, plus strand): 5'-GGCGAGCTCTCCCCCTGCGAATGAGCACCTCTCACAGGATTCTGTCTGTGTTCTCTCGCC[G>A]CGTGTCTAGTCAAGCACCCGCTGGCAACTGCGGCTTGGGCTGGTCCCTCTGGCTCCTTAT-3'
Protein context (NP_060105.3, residues 503-523): AVASGCLTRH[Ala513Val]AREHRQNPVR

ClinVar aggregate classification (germline): Uncertain significance (1 of 4 stars; one submission).

Conditions:
Intellectual developmental disorder, autosomal dominant 51. Also called: MENTAL RETARDATION, AUTOSOMAL DOMINANT 51; Intellectual disability, autosomal dominant 51. Identifiers: Orphanet 684226, MedGen C4540474, MONDO:0030917, OMIM 617788.

Allele frequency attached by ClinVar (database versions not stated): gnomAD exomes 0.00001; gnomAD 0.00002; ESP Exome Variant Server 0.00008; TOPMed 0.00002; ExAC 0.00002.
gnomAD v4.1: 15 of 1,614,018 alleles (0.00093%); highest among the groups gnomAD compares: African/African-American, 0.0053%; no homozygotes.

Submission:

SIB Swiss Institute of Bioinformatics
Classification: Uncertain significance for Intellectual developmental disorder, autosomal dominant 51. Last evaluated: 2018-06-05. Review status: criteria provided, single submitter. Criteria: ACMG Guidelines, 2015. Collection method: curation. Allele origin: unknown.
Comment: This variant is interpreted as a Uncertain significance for Mental retardation, autosomal dominant 51. The following ACMG Tag(s) were applied: PP3 => Multiple lines of computational evidence support a deleterious effect on the gene or gene product. PM6 =>Assumed de novo, but without confirmation of paternity and maternity.

ClinGen:CA6148169

Literature cited by the submitters: PubMed 28191889.